The following is an entry in ClinVar:

ClinVar aggregate classification (germline): Pathogenic/Likely pathogenic. Review status: criteria provided, multiple submitters, no conflicts (2 of 4 stars). 7 submissions from 7 submitters: Pathogenic (3); Likely pathogenic (4). Last evaluated 2025-09-11.

Conditions:
Spastic paraplegia. Identifiers: MedGen C0037772, HP:0001258.
SACS-related disorder. Also called: SACS-related condition.
Charlevoix-Saguenay spastic ataxia (SACS). Also called: Spastic ataxia of Charlevoix-Saguenay; SPASTIC ATAXIA 6, AUTOSOMAL RECESSIVE; AUTOSOMAL RECESSIVE SPASTIC ATAXIA OF CHARLEVOIX-SAGUENAY. Identifiers: Orphanet 98, MedGen C1849140, MONDO:0010041, OMIM 270550.

Allele frequency attached by ClinVar (database versions not stated): gnomAD 0.00001.
gnomAD v4.1: 3 of 1,611,484 alleles (0.00019%); highest among the groups gnomAD compares: Non-Finnish European, 0.00025%; no homozygotes.

Submissions (7):

GeneDx
Classification: Pathogenic. Last evaluated: 2025-09-11. Review status: criteria provided, single submitter. Criteria: GeneDx Variant Classification Process June 2021. Collection method: clinical testing. Allele origin: germline. Affected: yes.
Comment: Nonsense variant predicted to result in protein truncation or nonsense mediated decay in a gene for which loss of function is a known mechanism of disease; Not observed at significant frequency in large population cohorts (gnomAD); This variant is associated with the following publications: (PMID: 35303589)

Labcorp Genetics (formerly Invitae), Labcorp
Classification: Pathogenic for Spastic paraplegia. Last evaluated: 2024-01-02. Review status: criteria provided, single submitter. Criteria: Invitae Variant Classification Sherloc (09022015). Collection method: clinical testing. Allele origin: germline.
Comment: This sequence change creates a premature translational stop signal (p.Ser145*) in the SACS gene. It is expected to result in an absent or disrupted protein product. Loss-of-function variants in SACS are known to be pathogenic (PMID: 18465152, 20876471). This variant is present in population databases (no rsID available, gnomAD 0.007%). This variant has not been reported in the literature in individuals affected with SACS-related conditions. ClinVar contains an entry for this variant (Variation ID: 661678). For these reasons, this variant has been classified as Pathogenic.

Baylor Genetics
Classification: Pathogenic for Charlevoix-Saguenay spastic ataxia. Last evaluated: 2023-08-27. Review status: criteria provided, single submitter. Criteria: ACMG Guidelines, 2015. Collection method: clinical testing. Allele origin: unknown.

PreventionGenetics, part of Exact Sciences
Classification: Likely pathogenic for SACS-related condition. Last evaluated: 2023-06-02. Review status: criteria provided, single submitter. Criteria: ACMG Guidelines, 2015. Collection method: clinical testing. Allele origin: germline.
Comment: The SACS c.434C>G variant is predicted to result in premature protein termination (p.Ser145*). To our knowledge, this variant has not been reported in affected individuals. This variant is reported in 0.0065% of alleles in individuals of European (Non-Finnish) descent in gnomAD. Nonsense variants in SACS are expected to be pathogenic. This variant is interpreted as likely pathogenic.

Genome-Nilou Lab
Classification: Likely pathogenic for Charlevoix-Saguenay spastic ataxia. Last evaluated: 2021-09-05. Review status: criteria provided, single submitter. Criteria: ACMG Guidelines, 2015. Collection method: clinical testing. Allele origin: germline. Affected: no.

Fulgent Genetics
Classification: Likely pathogenic for Charlevoix-Saguenay spastic ataxia. Last evaluated: 2021-07-22. Review status: criteria provided, single submitter. Criteria: ACMG Guidelines, 2015. Collection method: clinical testing. Allele origin: unknown.

Athena Diagnostics
Classification: Likely pathogenic. Last evaluated: 2019-07-08. Review status: criteria provided, single submitter. Criteria: Athena Diagnostics Criteria. Collection method: clinical testing. Allele origin: germline.
Comment: The variant creates a premature nonsense codon, and is therefore predicted to result in the loss of a functional protein. Frequency data from large databases are of low quality and therefore uninformative.

Literature cited by the submitters: PubMed 18465152 (cited by Labcorp Genetics (formerly Invitae), Labcorp); PubMed 20876471 (cited by Labcorp Genetics (formerly Invitae), Labcorp).

NM_014363.6(SACS):c.434C>G (p.Ser145Ter)

Gene: SACS (sacsin molecular chaperone; minus strand). Cytogenetic location: 13q12.12.
Variant type: single nucleotide variant.
Coding change: c.434C>G on transcript NM_014363.6 (MANE Select); coding-DNA position 434, C replaced by G.
Protein change: p.Ser145Ter; replaces serine 145 with a stop codon.
Molecular consequence: nonsense. On other transcripts: 5 prime UTR variant (1).
Genome position (GRCh38, 1-based): chr13:23,365,189, G>C on the plus strand (C>G on the coding strand, the complement: SACS is on the minus strand). VCF-style: chr13-23365189-G-C. GRCh37 (hg19) VCF-style: chr13-23939328-G-C.
Other names: c.-8C>G (NM_001278055.2); short protein forms S145*.
Identifiers: ClinVar variation 661678 (VCV000661678.13), dbSNP rs994374354, ClinGen allele CA246684171.